The following is an entry in ClinVar:

ClinVar aggregate classification (germline): Uncertain significance. Review status: criteria provided, multiple submitters, no conflicts (2 of 4 stars). 3 submissions from 3 submitters: Uncertain significance (3). Last evaluated 2025-08-19.

Conditions:
Age related macular degeneration 1 (ARMD1). Also called: MACULOPATHY, AGE-RELATED, 1. Identifiers: MedGen C1864205, MONDO:0011285, OMIM 603075.

Allele frequency attached by ClinVar (database versions not stated): TOPMed 0.00012; gnomAD 0.00014 and 0.00016; gnomAD exomes 0.00015; ExAC 0.00017; ESP Exome Variant Server 0.00023.
gnomAD v4.1: 285 of 1,608,462 alleles (0.018%); highest among the groups gnomAD compares: Non-Finnish European, 0.023%; no homozygotes.

Submissions (3):

Labcorp Genetics (formerly Invitae), Labcorp
Classification: Uncertain significance. Last evaluated: 2025-08-19. Review status: criteria provided, single submitter. Criteria: Invitae Variant Classification Sherloc (09022015). Collection method: clinical testing. Allele origin: germline.
Comment: This sequence change replaces lysine, which is basic and polar, with asparagine, which is neutral and polar, at codon 2559 of the HMCN1 protein (p.Lys2559Asn). This variant is present in population databases (rs139899015, gnomAD 0.03%). This missense change has been observed in individual(s) with sporadic macular dystrophy (PMID: 27007659). ClinVar contains an entry for this variant (Variation ID: 876653). An algorithm developed to predict the effect of missense changes on protein structure and function (PolyPhen-2) suggests that this variant is likely to be disruptive. In summary, the available evidence is currently insufficient to determine the role of this variant in disease. Therefore, it has been classified as a Variant of Uncertain Significance.

Genome-Nilou Lab
Classification: Uncertain significance for Age related macular degeneration 1. Last evaluated: 2023-04-11. Review status: criteria provided, single submitter. Criteria: ACMG Guidelines, 2015. Collection method: clinical testing. Allele origin: germline. Affected: no.

Illumina Laboratory Services, Illumina
Classification: Uncertain significance for Age related macular degeneration 1. Last evaluated: 2017-10-14. Review status: criteria provided, single submitter. Criteria: ICSL Variant Classification Criteria 13 December 2019. Collection method: clinical testing. Allele origin: germline.
Comment: This variant was observed as part of a predisposition screen in an ostensibly healthy population. A literature search was performed for the gene, cDNA change, and amino acid change (where applicable). Publications were found based on this search. However, the evidence from the literature, in combination with allele frequency data from public databases where available, was not sufficient to rule this variant in or out of causing disease. Therefore, this variant is classified as a variant of unknown significance.

Literature cited by the submitters: PubMed 27007659 (cited by Labcorp Genetics (formerly Invitae), Labcorp and Illumina Laboratory Services, Illumina).

NM_031935.3(HMCN1):c.7677G>C (p.Lys2559Asn)

Gene: HMCN1 (hemicentin 1; plus strand). Cytogenetic location: 1q31.1.
Variant type: single nucleotide variant.
Coding change: c.7677G>C on transcript NM_031935.3 (MANE Select); coding-DNA position 7677, G replaced by C.
Protein change: p.Lys2559Asn; replaces lysine 2559 with asparagine.
Molecular consequence: missense variant.
Genome position (GRCh38, 1-based): chr1:186,065,401, G>C. VCF-style: chr1-186065401-G-C. GRCh37 (hg19) VCF-style: chr1-186034533-G-C.
Other names: short protein forms K2559N.
Identifiers: ClinVar variation 876653 (VCV000876653.10), dbSNP rs139899015, ClinGen allele CA1292905.